The following is an entry in ClinVar:

NM_080473.5(GATA5):c.1015C>T (p.Pro339Ser)

Gene: GATA5 (GATA binding protein 5; minus strand). Cytogenetic location: 20q13.33.
Variant type: single nucleotide variant.
Coding change: c.1015C>T on transcript NM_080473.5 (MANE Select); coding-DNA position 1015, C replaced by T.
Protein change: p.Pro339Ser; replaces proline 339 with serine.
Molecular consequence: missense variant.
Genome position (GRCh38, 1-based): chr20:62,465,363, G>A on the plus strand (C>T on the coding strand, the complement: GATA5 is on the minus strand). VCF-style: chr20-62465363-G-A. GRCh37 (hg19) VCF-style: chr20-61040419-G-A.
Other names: short protein forms P339S.
Identifiers: ClinVar variation 2828168 (VCV002828168.3), dbSNP rs1555895949, ClinGen allele CA409552219.

ClinVar aggregate classification (germline): Uncertain significance (1 of 4 stars; one submission).

gnomAD v4.1: 1 of 1,602,172 alleles (0.000062%); highest among the groups gnomAD compares: East Asian, 0.0022%; no homozygotes.

Submission:

Labcorp Genetics (formerly Invitae), Labcorp
Classification: Uncertain significance. Last evaluated: 2023-05-19. Review status: criteria provided, single submitter. Criteria: Invitae Variant Classification Sherloc (09022015). Collection method: clinical testing. Allele origin: germline.
Comment: In summary, the available evidence is currently insufficient to determine the role of this variant in disease. Therefore, it has been classified as a Variant of Uncertain Significance. Advanced modeling of protein sequence and biophysical properties (such as structural, functional, and spatial information, amino acid conservation, physicochemical variation, residue mobility, and thermodynamic stability) performed at Invitae indicates that this missense variant is not expected to disrupt GATA5 protein function. This variant has not been reported in the literature in individuals affected with GATA5-related conditions. This variant is present in population databases (no rsID available, gnomAD 0.006%). This sequence change replaces proline, which is neutral and non-polar, with serine, which is neutral and polar, at codon 339 of the GATA5 protein (p.Pro339Ser).